The following is an entry in ClinVar:

ClinVar aggregate classification (germline): Likely pathogenic (1 of 4 stars; one submission).

Conditions:
Lethal congenital contracture syndrome 3. Also called: MULTIPLE CONTRACTURE SYNDROME, ISRAELI BEDOUIN TYPE B. Identifiers: Orphanet 137783, MedGen C1969655, MONDO:0012656, OMIM 611369.

Submission:

Victorian Clinical Genetics Services, Murdoch Childrens Research Institute
Classification: Likely pathogenic for Lethal congenital contracture syndrome 3. Last evaluated: 2024-10-09. Review status: criteria provided, single submitter. Criteria: ACMG Guidelines, 2015. Collection method: clinical testing. Allele origin: germline. Inheritance: Autosomal recessive inheritance. Affected: no.
Comment: Based on the classification scheme VCGS_Germline_v1.3.4, this variant is classified as Likely pathogenic. Following criteria are met: 0103 - Loss of function and gain of function are known mechanisms of disease in this gene. Loss of function is associated with autosomal recessive lethal congenital contractural syndrome 3 (MIM#611369) (PMIDs: 17701898, 38491417), while gain of function is associated with autosomal dominant neurodevelopmental disorder and microcephaly (MONDO:0700092), PIP5K1C-related (PMID: 37451268). (I) 0108 - This gene is associated with both recessive and dominant disease (OMIM, PMID: 37451268). (I) 0201 - Variant is predicted to cause nonsense-mediated decay (NMD) and loss of protein (premature termination codon is located at least 54 nucleotides upstream of the final exon-exon junction). (SP) 0251 - This variant is heterozygous. (I) 0301 - Variant is absent from gnomAD (both v2 and v3). (SP) 0703 - Other NMD-predicted variants comparable to the one identified in this case have moderate previous evidence for pathogenicity (DECIPHER, PMID: 38491417). (SP) 0807 - This variant has no previous evidence of pathogenicity. (I) 0905 - No published segregation evidence has been identified for this variant. (I) 1007 - No published functional evidence has been identified for this variant. (SP) Legend: (SP) - Supporting pathogenic, (I) - Information, (SB) - Supporting benign

Literature cited by the submitters: PubMed 17701898; PubMed 37451268; PubMed 38491417.

NM_012398.3(PIP5K1C):c.777_778dup (p.Lys260fs)

Gene: PIP5K1C (phosphatidylinositol-4-phosphate 5-kinase type 1 gamma; minus strand). Cytogenetic location: 19p13.3.
Variant type: Duplication.
Coding change: c.777_778dup on transcript NM_012398.3 (MANE Select); coding-DNA positions 777 to 778, 2 bases duplicated (CA; older notation c.777_778dupCA).
Protein change: p.Lys260fs; shifts the reading frame from lysine 260.
Molecular consequence: frameshift variant.
Genome position (GRCh38, 1-based): chr19:3,653,433-3,653,434, TG duplicated on the plus strand (CA on the coding strand, the reverse complement: PIP5K1C is on the minus strand); duplicating any 2 consecutive bases within chr19:3,653,433-3,653,435 gives the same sequence; the c. name uses the placement nearest the transcript's 3' end. VCF-style (leftmost placement, unchanged base first): chr19-3653432-T-TTG. GRCh37 (hg19) VCF-style: chr19-3653430-T-TTG.
Other names: c.777_778dup, p.Lys260fs (NM_001195733.2, NM_001300849.2); short protein forms K260fs.
Identifiers: ClinVar variation 3377275 (VCV003377275.1).